The following is an entry in ClinVar:

NM_001382508.1(DROSHA):c.483G>A (p.Pro161=)

Gene: DROSHA (drosha ribonuclease III; minus strand). Cytogenetic location: 5p13.3.
Variant type: single nucleotide variant.
Coding change: c.483G>A on transcript NM_001382508.1 (MANE Select); coding-DNA position 483, G replaced by A.
Protein change: p.Pro161=; no amino-acid change (proline 161 retained).
Molecular consequence: synonymous variant.
Genome position (GRCh38, 1-based): chr5:31,526,450, C>T on the plus strand (G>A on the coding strand, the complement: DROSHA is on the minus strand). VCF-style: chr5-31526450-C-T. GRCh37 (hg19) VCF-style: chr5-31526557-C-T.
Other names: c.483G>A, p.Pro161= (NM_001100412.2, NM_013235.5).
Identifiers: ClinVar variation 3036798 (VCV003036798.2), dbSNP rs367918968, ClinGen allele CA3217946.

ClinVar aggregate classification (germline): Likely benign (0 of 4 stars; one submission).

Conditions:
DROSHA-related disorder. Also called: DROSHA-related condition.

Allele frequency attached by ClinVar (database versions not stated): ESP Exome Variant Server 0.00008; TOPMed 0.00011; gnomAD 0.00013.
gnomAD v4.1: 228 of 1,521,284 alleles (0.015%); highest among the groups gnomAD compares: Non-Finnish European, 0.01%; no homozygotes.

Submission:

PreventionGenetics, part of Exact Sciences
Classification: Likely benign for DROSHA-related condition. Last evaluated: 2022-06-07. Review status: no assertion criteria provided. Collection method: clinical testing. Allele origin: germline.
Comment: This variant is classified as likely benign based on ACMG/AMP sequence variant interpretation guidelines (Richards et al. 2015 PMID: 25741868, with internal and published modifications).